The following is an entry in ClinVar:

ClinVar aggregate classification (germline): Benign. Review status: criteria provided, multiple submitters, no conflicts (2 of 4 stars). 3 submissions from 3 submitters: Benign (3). Last evaluated 2026-02-04.

Allele frequency attached by ClinVar (database versions not stated): ESP Exome Variant Server 0.96156; 1000 Genomes Project 0.96965; gnomAD exomes 0.98772; TOPMed 0.96586; 1000 Genomes Project 30x 0.96721; ExAC 0.98410.
gnomAD v4.1: 1,584,985 of 1,607,758 alleles (99%); highest among the groups gnomAD compares: East Asian, 100%; 781,536 homozygotes.

Submissions (3):

Labcorp Genetics (formerly Invitae), Labcorp
Classification: Benign. Last evaluated: 2026-02-04. Review status: criteria provided, single submitter. Criteria: Invitae Variant Classification Sherloc (09022015). Collection method: clinical testing. Allele origin: germline.

Unidad de Genómica Garrahan, Hospital de Pediatría Garrahan
Classification: Benign. Last evaluated: 2024-07-15. Review status: criteria provided, single submitter. Criteria: ACMG Guidelines, 2015. Collection method: clinical testing. Allele origin: germline. Affected: no. Observed: 93 variant alleles.
Comment: This variant is classified as Benign based on local population frequency. This variant was detected in 100% of patients studied in a panel designed for Epileptic and Developmental Encephalopathy and Progressive Myoclonus Epilepsy. Number of patients: 93. Only high quality variants are reported.

Breakthrough Genomics
Classification: Benign. Review status: criteria provided, single submitter. Criteria: ACMG Guidelines, 2015. Collection method: not provided. Allele origin: germline. Inheritance: Autosomal dominant inheritance. Affected: yes.

NM_000812.4(GABRB1):c.508T>C (p.Leu170=)

Gene: GABRB1 (gamma-aminobutyric acid type A receptor subunit beta1; plus strand). Cytogenetic location: 4p12.
Variant type: single nucleotide variant.
Coding change: c.508T>C on transcript NM_000812.4 (MANE Select); coding-DNA position 508, T replaced by C.
Protein change: p.Leu170=; no amino-acid change (leucine 170 retained).
Molecular consequence: synonymous variant.
Genome position (GRCh38, 1-based): chr4:47,320,173, T>C. VCF-style: chr4-47320173-T-C. GRCh37 (hg19) VCF-style: chr4-47322190-T-C.
Identifiers: ClinVar variation 1642812 (VCV001642812.11), dbSNP rs4482737, ClinGen allele CA2907609.